The following is an entry in ClinVar:

ClinVar aggregate classification (germline): Uncertain significance. Review status: criteria provided, multiple submitters, no conflicts (2 of 4 stars). 2 submissions from 2 submitters: Uncertain significance (2). Last evaluated 2025-10-06.

Conditions:
Inborn genetic diseases. Identifiers: MedGen C0950123, MeSH D030342.
Vici syndrome (VICIS). Identifiers: Orphanet 1493, MedGen C1855772, MONDO:0009452, OMIM 242840.

Allele frequency attached by ClinVar (database versions not stated): gnomAD exomes below 0.00001; TOPMed below 0.00001.

Submissions (2):

Ambry Genetics
Classification: Uncertain significance for Inborn genetic diseases. Last evaluated: 2025-10-06. Review status: criteria provided, single submitter. Criteria: Ambry Variant Classification Scheme 2023. Collection method: clinical testing. Allele origin: germline.

Baylor Genetics
Classification: Uncertain significance for Vici syndrome. Last evaluated: 2019-07-30. Review status: criteria provided, single submitter. Criteria: ACMG Guidelines, 2015. Collection method: clinical testing. Allele origin: unknown. Affected: yes.
Comment: This variant was determined to be of uncertain significance according to ACMG Guidelines, 2015 [PMID:25741868].

NM_020964.3(EPG5):c.4745T>C (p.Leu1582Pro)

Gene: EPG5 (ectopic P-granules 5 autophagy tethering factor; minus strand). Cytogenetic location: 18q12.3.
Variant type: single nucleotide variant.
Coding change: c.4745T>C on transcript NM_020964.3 (MANE Select); coding-DNA position 4745, T replaced by C.
Protein change: p.Leu1582Pro; replaces leucine 1582 with proline.
Molecular consequence: missense variant.
Genome position (GRCh38, 1-based): chr18:45,899,468, A>G on the plus strand (T>C on the coding strand, the complement: EPG5 is on the minus strand). VCF-style: chr18-45899468-A-G. GRCh37 (hg19) VCF-style: chr18-43479433-A-G.
Other names: short protein forms L1582P.
Identifiers: ClinVar variation 1030742 (VCV001030742.3), dbSNP rs1345938343, ClinGen allele CA402336884.